The following is an entry in ClinVar:

NM_000812.4(GABRB1):c.1338_1339insTCTTTGATCCCCGACTTGACTGATGTG (p.Val446_Asn447insSerLeuIleProAspLeuThrAspVal)

Gene: GABRB1 (gamma-aminobutyric acid type A receptor subunit beta1; plus strand). Cytogenetic location: 4p12.
Variant type: Insertion.
Coding change: c.1338_1339insTCTTTGATCCCCGACTTGACTGATGTG on transcript NM_000812.4 (MANE Select); coding-DNA positions 1338 to 1339, TCTTTGATCCCCGACTTGACTGATGTG inserted.
Protein change: p.Val446_Asn447insSerLeuIleProAspLeuThrAspVal.
Molecular consequence: inframe insertion.
Genome position: GRCh38 VCF-style: chr4-47425909-A-AGATCCCCGACTTGACTGATGTGTCTTT. GRCh37 (hg19) VCF-style: chr4-47427926-A-AGATCCCCGACTTGACTGATGTGTCTTT.
Identifiers: ClinVar variation 1915025 (VCV001915025.5), dbSNP rs761939071, ClinGen allele CA2907805.

ClinVar aggregate classification (germline): Uncertain significance (1 of 4 stars; one submission).

Submission:

Labcorp Genetics (formerly Invitae), Labcorp
Classification: Uncertain significance. Last evaluated: 2025-09-10. Review status: criteria provided, single submitter. Criteria: Invitae Variant Classification Sherloc (09022015). Collection method: clinical testing. Allele origin: germline.
Comment: This variant, c.1338_1339insTCTTTGATCCCCGACTTGACTGATGTG, results in the insertion of 9 amino acid(s) of the GABRB1 protein (p.Val446_Asn447insSerLeuIleProAspLeuThrAspVal), but otherwise preserves the integrity of the reading frame. This variant is present in population databases (rs761939071, gnomAD 0.003%). This variant has not been reported in the literature in individuals affected with GABRB1-related conditions. ClinVar contains an entry for this variant (Variation ID: 1915025). In summary, the available evidence is currently insufficient to determine the role of this variant in disease. Therefore, it has been classified as a Variant of Uncertain Significance.